The following is an entry in ClinVar:

NM_000297.4(PKD2):c.478C>T (p.Gln160Ter)

Genes: PKD2 (polycystin 2, transient receptor potential cation channel; plus strand), LOC129992813 (ATAC-STARR-seq lymphoblastoid silent region 15559; plus strand). Cytogenetic location: 4q22.1.
Variant type: single nucleotide variant.
Coding change: c.478C>T on transcript NM_000297.4 (MANE Select); coding-DNA position 478, C replaced by T.
Protein change: p.Gln160Ter; replaces glutamine 160 with a stop codon.
Molecular consequence: nonsense. On other transcripts: non-coding transcript variant (1).
Genome position (GRCh38, 1-based): chr4:88,008,211, C>T. VCF-style: chr4-88008211-C-T. GRCh37 (hg19) VCF-style: chr4-88929363-C-T.
Other names: short protein forms Q160*.
Identifiers: ClinVar variation 3374736 (VCV003374736.3).

ClinVar aggregate classification (germline): Pathogenic/Likely pathogenic. Review status: criteria provided, multiple submitters, no conflicts (2 of 4 stars). 2 submissions from 2 submitters: Pathogenic (1); Likely pathogenic (1). Last evaluated 2024-11-07.

Conditions:
Polycystic kidney disease 2 (PKD2). Also called: POLYCYSTIC KIDNEY DISEASE, ADULT, TYPE II; Polycystic Kidney Disease 2, Autosomal Dominant; POLYCYSTIC KIDNEY DISEASE 2 WITH OR WITHOUT POLYCYSTIC LIVER DISEASE. Identifiers: MedGen C2751306, MONDO:0013131, OMIM 613095.

gnomAD v4.1: 1 of 1,393,212 alleles (0.000072%); highest among the groups gnomAD compares: Non-Finnish European, 0.000093%; no homozygotes.

Submissions (2):

Molecular Genetics Laboratory, Motol Hospital
Classification: Likely pathogenic for Polycystic kidney disease 2. Last evaluated: 2024-11-07. Review status: criteria provided, single submitter. Criteria: ACMG Guidelines, 2015. Collection method: clinical testing. Allele origin: germline. Affected: yes. Observed: 1 variant allele.
Comment: The relevant medical/scientific publications report on familial transmission of causative PKD2 gene variants and their genotype-phenotype correlation (PMID:11968093;11438989;10023895;9949210;1605247). This novel variant correlates with the clinical manifestation of PKD2. To conclude, the variant is classified as likely pathogenic (ACMG PVS1, PM2).

Fulgent Genetics
Classification: Pathogenic for Polycystic kidney disease 2. Last evaluated: 2024-04-30. Review status: criteria provided, single submitter. Criteria: ACMG Guidelines, 2015. Collection method: clinical testing. Allele origin: germline.

Literature cited by the submitters: PubMed 11968093 (cited by Molecular Genetics Laboratory, Motol Hospital); PubMed 11438989 (cited by Molecular Genetics Laboratory, Motol Hospital); PubMed 10023895 (cited by Molecular Genetics Laboratory, Motol Hospital); PubMed 9949210 (cited by Molecular Genetics Laboratory, Motol Hospital); PubMed 1605247 (cited by Molecular Genetics Laboratory, Motol Hospital).